The following is an entry in ClinVar:

ClinVar aggregate classification (germline): Uncertain significance. Review status: criteria provided, multiple submitters, no conflicts (2 of 4 stars). 2 submissions from 2 submitters: Uncertain significance (2). Last evaluated 2025-05-30.

Conditions:
Early-infantile DEE. Also called: Ohtahara syndrome; Early infantile epileptic encephalopathy with suppression bursts; Early infantile epileptic encephalopathy. Identifiers: Orphanet 1934, MedGen C0393706, MONDO:0800491.

Allele frequency attached by ClinVar (database versions not stated): gnomAD exomes below 0.00001.
gnomAD v4.1: 1 of 1,606,200 alleles (0.000062%); highest among the groups gnomAD compares: Admixed American, 0.0017%; no homozygotes.

Submissions (2):

Labcorp Genetics (formerly Invitae), Labcorp
Classification: Uncertain significance for Early-infantile DEE. Last evaluated: 2025-05-30. Review status: criteria provided, single submitter. Criteria: Invitae Variant Classification Sherloc (09022015). Collection method: clinical testing. Allele origin: germline.
Comment: This sequence change replaces serine, which is neutral and polar, with cysteine, which is neutral and slightly polar, at codon 1037 of the SCN1A protein (p.Ser1037Cys). This variant is present in population databases (no rsID available, gnomAD 0.003%). This variant has not been reported in the literature in individuals affected with SCN1A-related conditions. ClinVar contains an entry for this variant (Variation ID: 1026414). Invitae Evidence Modeling of protein sequence and biophysical properties (such as structural, functional, and spatial information, amino acid conservation, physicochemical variation, residue mobility, and thermodynamic stability) indicates that this missense variant is not expected to disrupt SCN1A protein function with a negative predictive value of 95%. In summary, the available evidence is currently insufficient to determine the role of this variant in disease. Therefore, it has been classified as a Variant of Uncertain Significance.

GeneDx
Classification: Uncertain significance. Last evaluated: 2025-05-10. Review status: criteria provided, single submitter. Criteria: GeneDx Variant Classification Process June 2021. Collection method: clinical testing. Allele origin: germline.
Comment: Not observed at significant frequency in large population cohorts (gnomAD); In silico analysis suggests that this missense variant does not alter protein structure/function; This substitution is predicted to be in the cytoplasmic loop between the second and third homologous domains; Has not been previously published as pathogenic or benign to our knowledge

NM_001165963.4(SCN1A):c.3110C>G (p.Ser1037Cys)

Genes: SCN1A (sodium voltage-gated channel alpha subunit 1; minus strand), LOC102724058 (uncharacterized LOC102724058; plus strand). Cytogenetic location: 2q24.3.
Variant type: single nucleotide variant.
Coding change: c.3110C>G on transcript NM_001165963.4 (MANE Select); coding-DNA position 3110, C replaced by G.
Protein change: p.Ser1037Cys; replaces serine 1037 with cysteine.
Molecular consequence: missense variant. On other transcripts: non-coding transcript variant (2).
Genome position (GRCh38, 1-based): chr2:166,036,367, G>C on the plus strand (C>G on the coding strand, the complement: SCN1A is on the minus strand). VCF-style: chr2-166036367-G-C. GRCh37 (hg19) VCF-style: chr2-166892877-G-C.
Other names: c.3026C>G, p.Ser1009Cys (NM_001165964.3, NM_001353957.2, NM_001353958.2); c.3110C>G, p.Ser1037Cys (NM_001202435.3, NM_001353948.2); c.3077C>G, p.Ser1026Cys (NM_001353949.2, NM_001353950.2, NM_001353951.2 and 2 more transcripts); c.3074C>G, p.Ser1025Cys (NM_001353954.2, NM_001353955.2); c.3023C>G, p.Ser1008Cys (NM_001353960.2); c.668C>G, p.Ser223Cys (NM_001353961.2); c.3110C>G (NM_001165963.1); short protein forms S1008C, S1009C, S1025C, S1026C, S1037C, S223C.
Identifiers: ClinVar variation 1026414 (VCV001026414.11), dbSNP rs1265022938, ClinGen allele CA349059953.